The following is an entry in ClinVar:

NM_022114.4(PRDM16):c.3405C>T (p.Ala1135=)

Gene: PRDM16 (PR/SET domain 16; plus strand). Cytogenetic location: 1p36.32.
Variant type: single nucleotide variant.
Coding change: c.3405C>T on transcript NM_022114.4 (MANE Select); coding-DNA position 3405, C replaced by T.
Protein change: p.Ala1135=; no amino-acid change (alanine 1135 retained).
Molecular consequence: synonymous variant.
Genome position (GRCh38, 1-based): chr1:3,430,992, C>T. VCF-style: chr1-3430992-C-T. GRCh37 (hg19) VCF-style: chr1-3347556-C-T.
Other names: c.3405C>T, p.Ala1135= (NM_199454.3).
Identifiers: ClinVar variation 510274 (VCV000510274.36), dbSNP rs765114438, ClinGen allele CA544859.

ClinVar aggregate classification (germline): Benign/Likely benign. Review status: criteria provided, multiple submitters, no conflicts (2 of 4 stars). 5 submissions from 5 submitters: Benign (1); Likely benign (4). Last evaluated 2026-01-12.

Conditions:
Left ventricular noncompaction 8 (LVNC8). Identifiers: Orphanet 154, Orphanet 54260, MedGen C3809288, MONDO:0014152, OMIM 615373.

Allele frequency attached by ClinVar (database versions not stated): gnomAD 0.00004 and 0.00005; ExAC 0.00008; TOPMed 0.00010.
gnomAD v4.1: 45 of 1,601,228 alleles (0.0028%); highest among the groups gnomAD compares: Admixed American, 0.033%; no homozygotes.

Submissions (5):

Labcorp Genetics (formerly Invitae), Labcorp
Classification: Likely benign for Left ventricular noncompaction 8. Last evaluated: 2026-01-12. Review status: criteria provided, single submitter. Criteria: Invitae Variant Classification Sherloc (09022015). Collection method: clinical testing. Allele origin: germline.

Women's Health and Genetics/Laboratory Corporation of America, LabCorp
Classification: Benign. Last evaluated: 2023-10-09. Review status: criteria provided, single submitter. Criteria: LabCorp Variant Classification Summary - May 2015. Collection method: clinical testing. Allele origin: germline.

CeGaT Center for Human Genetics Tuebingen
Classification: Likely benign. Last evaluated: 2023-01-01. Review status: criteria provided, single submitter. Criteria: CeGaT Center For Human Genetics Tuebingen Variant Classification Criteria Version 2. Collection method: clinical testing. Allele origin: germline. Affected: yes. Observed: 1 variant allele.
Comment: PRDM16: BP4, BP7

GeneDx
Classification: Likely benign. Last evaluated: 2017-06-19. Review status: criteria provided, single submitter. Criteria: GeneDx Variant Classification (06012015). Collection method: clinical testing. Allele origin: germline. Affected: yes.
Comment: This variant is considered likely benign or benign based on one or more of the following criteria: it is a conservative change, it occurs at a poorly conserved position in the protein, it is predicted to be benign by multiple in silico algorithms, and/or has population frequency not consistent with disease.

Breakthrough Genomics
Classification: Likely benign. Review status: criteria provided, single submitter. Criteria: ACMG Guidelines, 2015. Collection method: not provided. Allele origin: germline. Inheritance: Autosomal dominant inheritance. Affected: yes.